The following is an entry in ClinVar:

NM_153460.4(IL17RC):c.105+115del

Gene: IL17RC (interleukin 17 receptor C; plus strand). Cytogenetic location: 3p25.3.
Variant type: Deletion.
Coding change: c.105+115del on transcript NM_153460.4 (MANE Select); 115 bases into the intron after coding-DNA position 105, one base deleted (C; older notation c.105+115delC).
Molecular consequence: intron variant. On other transcripts: frameshift variant (1).
Genome position (GRCh38, 1-based): chr3:9,917,535, C deleted. VCF-style (leftmost placement, unchanged base first): chr3-9917534-TC-T. GRCh37 (hg19) VCF-style: chr3-9959218-TC-T.
Other names: c.220del, p.Leu74fs (NM_153461.4); c.105+115del (NM_001203263.2, NM_001203264.2, NM_001367278.1 and 4 more transcripts); short protein forms L74fs.
Identifiers: ClinVar variation 659344 (VCV000659344.5), dbSNP rs1575512711, ClinGen allele CA915941846.
Genomic context (GRCh38, chr3:9,917,534, plus strand): 5'-TCAGCAAAGCCTTAGCCTGGCTCCTGTCACTGCTGCCACTGCCAGAACTGCCCTGTCTGG[TC>T]TGTCTGGTGCTGATGGTAGAAGAGAAGAACGGGGAAGGGGCAAGAGCTGGGTCTGTCTTT-3'

ClinVar aggregate classification (germline): Uncertain significance (1 of 4 stars; one submission).

Conditions:
Candidiasis, familial, 9 (CANDF9). Identifiers: Orphanet 1334, MedGen C4225324, MONDO:0014642, OMIM 616445.

Submission:

Labcorp Genetics (formerly Invitae), Labcorp
Classification: Uncertain significance for Candidiasis, familial, 9. Last evaluated: 2018-09-06. Review status: criteria provided, single submitter. Criteria: Invitae Variant Classification Sherloc (09022015). Collection method: clinical testing. Allele origin: germline.
Comment: The current clinical and genetic evidence is not sufficient to establish whether loss-of-function variants in IL17RC cause disease. This variant has not been reported in the literature in individuals with IL17RC-related disease. This variant is not present in population databases (ExAC no frequency). This sequence change creates a premature translational stop signal (p.Leu74Cysfs*70) in the IL17RC gene. It is expected to result in an absent or disrupted protein product. In summary, the available evidence is currently insufficient to determine the role of this variant in disease. Therefore, it has been classified as a Variant of Uncertain Significance.